The following is an entry in ClinVar:

NM_020366.4(RPGRIP1):c.1688G>A (p.Arg563Gln)

Gene: RPGRIP1 (RPGR interacting protein 1; plus strand). Cytogenetic location: 14q11.2.
Variant type: single nucleotide variant.
Coding change: c.1688G>A on transcript NM_020366.4 (MANE Select); coding-DNA position 1688, G replaced by A.
Protein change: p.Arg563Gln; replaces arginine 563 with glutamine.
Molecular consequence: missense variant.
Genome position (GRCh38, 1-based): chr14:21,321,930, G>A. VCF-style: chr14-21321930-G-A. GRCh37 (hg19) VCF-style: chr14-21790089-G-A.
Other names: c.1688G>A (NM_020366.3); c.614G>A, p.Arg205Gln (NM_001377523.1, NM_001377948.1, NM_001377949.1 and 1 more transcripts); c.116G>A, p.Arg39Gln (NM_001377951.1); short protein forms R39Q, R205Q, R563Q.
Identifiers: ClinVar variation 1502829 (VCV001502829.30), dbSNP rs145055116, ClinGen allele CA7089047.
Genomic context (GRCh38, chr14:21,321,930, plus strand): 5'-TGATGACAAAAGCTGACAATGATAATAGAGATCACAAAGAAAAGCTGGAGAGGTTGACTC[G>A]ACTACTAGACCTCAAGAATAACCGTATCAAGCAGCTGGAAGGTATTTTAAGAAGCCATGA-3'
Protein context (NP_065099.3, residues 553-573): DHKEKLERLT[Arg563Gln]LLDLKNNRIK

ClinVar aggregate classification (germline): Uncertain significance. Review status: criteria provided, multiple submitters, no conflicts (2 of 4 stars). 4 submissions from 4 submitters: Uncertain significance (4). Last evaluated 2026-09-22.

Conditions:
RPGRIP1-related disorder. Also called: RPGRIP1-related condition.
Leber congenital amaurosis 6 (LCA6). Identifiers: Orphanet 65, MedGen C1854260, MONDO:0013446, OMIM 613826.
Cone-rod dystrophy 13 (CORD13). Identifiers: Orphanet 1872, MedGen C2750720, MONDO:0011987, OMIM 608194.

Allele frequency attached by ClinVar (database versions not stated): gnomAD 0.00001 and 0.00002; TOPMed 0.00003; ESP Exome Variant Server 0.00008; 1000 Genomes Project 30x 0.00016; 1000 Genomes Project 0.00020.
gnomAD v4.1: 80 of 1,613,536 alleles (0.005%); highest among the groups gnomAD compares: Non-Finnish European, 0.0064%; no homozygotes.

Submissions (4):

PreventionGenetics, part of Exact Sciences
Classification: Uncertain significance for RPGRIP1-related condition. Last evaluated: 2026-09-22. Review status: criteria provided, single submitter. Criteria: ACMG Guidelines, 2015. Collection method: clinical testing. Allele origin: germline.
Comment: The RPGRIP1 c.1688G>A variant is predicted to result in the amino acid substitution p.Arg563Gln. This variant has not been reported in the literature in individuals with retinal disorders. This variant is reported in 0.0094% of alleles in individuals of European (Non-Finnish) descent in gnomAD. At this time, the clinical significance of this variant is uncertain due to the absence of conclusive functional and genetic evidence.

Dasa
Classification: Uncertain significance. Last evaluated: 2025-11-04. Review status: criteria provided, single submitter. Criteria: DASA Assertion Criteria. Collection method: clinical testing. Allele origin: germline.
Comment: NM_020366.4(RPGRIP1):c.1688G>A (p.Arg563Gln) is a missense variant that results in the substitution of arginine with glutamine. This variant is rare in population databases. Computational prediction algorithms are consistent with a benign effect. The currently available literature and clinical evidence are not sufficient to establish a definitive association between this variant and the reported condition. Therefore, this variant is classified as a variant of uncertain significance.

Labcorp Genetics (formerly Invitae), Labcorp
Classification: Uncertain significance for Leber congenital amaurosis 6; Cone-rod dystrophy 13. Last evaluated: 2024-10-24. Review status: criteria provided, single submitter. Criteria: Invitae Variant Classification Sherloc (09022015). Collection method: clinical testing. Allele origin: germline.
Comment: This sequence change replaces arginine, which is basic and polar, with glutamine, which is neutral and polar, at codon 563 of the RPGRIP1 protein (p.Arg563Gln). This variant is present in population databases (rs145055116, gnomAD 0.009%). This variant has not been reported in the literature in individuals affected with RPGRIP1-related conditions. ClinVar contains an entry for this variant (Variation ID: 1502829). Invitae Evidence Modeling of protein sequence and biophysical properties (such as structural, functional, and spatial information, amino acid conservation, physicochemical variation, residue mobility, and thermodynamic stability) indicates that this missense variant is not expected to disrupt RPGRIP1 protein function with a negative predictive value of 80%. In summary, the available evidence is currently insufficient to determine the role of this variant in disease. Therefore, it has been classified as a Variant of Uncertain Significance.

CeGaT Center for Human Genetics Tuebingen
Classification: Uncertain significance. Last evaluated: 2024-04-01. Review status: criteria provided, single submitter. Criteria: CeGaT Center For Human Genetics Tuebingen Variant Classification Criteria Version 2. Collection method: clinical testing. Allele origin: germline. Affected: yes. Observed: 1 variant allele.
Comment: RPGRIP1: PM2, BP4